The following is an entry in ClinVar:

NM_006158.5(NEFL):c.29A>C (p.Tyr10Ser)

Gene: NEFL (neurofilament light chain; minus strand). Cytogenetic location: 8p21.2.
Variant type: single nucleotide variant.
Coding change: c.29A>C on transcript NM_006158.5 (MANE Select); coding-DNA position 29, A replaced by C.
Protein change: p.Tyr10Ser; replaces tyrosine 10 with serine.
Molecular consequence: missense variant.
Genome position (GRCh38, 1-based): chr8:24,956,487, T>G on the plus strand (A>C on the coding strand, the complement: NEFL is on the minus strand). VCF-style: chr8-24956487-T-G. GRCh37 (hg19) VCF-style: chr8-24814001-T-G.
Other names: short protein forms Y10S.
Identifiers: ClinVar variation 3014875 (VCV003014875.3), dbSNP rs1323838456, ClinGen allele CA370624263.

ClinVar aggregate classification (germline): Uncertain significance (1 of 4 stars; one submission).

Conditions:
Charcot-Marie-Tooth disease type 2E (CMT2E). Also called: CHARCOT-MARIE-TOOTH DISEASE, AXONAL, TYPE 2E; CHARCOT-MARIE-TOOTH NEUROPATHY, TYPE 2E. Identifiers: Orphanet 99939, MedGen C1843225, MONDO:0011894, OMIM 607684.

Allele frequency attached by ClinVar (database versions not stated): gnomAD exomes below 0.00001.
gnomAD v4.1: 3 of 1,603,026 alleles (0.00019%); highest among the groups gnomAD compares: African/African-American, 0.0027%; no homozygotes.

Submission:

Labcorp Genetics (formerly Invitae), Labcorp
Classification: Uncertain significance for Charcot-Marie-Tooth disease type 2E. Last evaluated: 2023-04-11. Review status: criteria provided, single submitter. Criteria: Invitae Variant Classification Sherloc (09022015). Collection method: clinical testing. Allele origin: germline.
Comment: In summary, the available evidence is currently insufficient to determine the role of this variant in disease. Therefore, it has been classified as a Variant of Uncertain Significance. Advanced modeling of protein sequence and biophysical properties (such as structural, functional, and spatial information, amino acid conservation, physicochemical variation, residue mobility, and thermodynamic stability) has been performed at Invitae for this missense variant, however the output from this modeling did not meet the statistical confidence thresholds required to predict the impact of this variant on NEFL protein function. This variant has not been reported in the literature in individuals affected with NEFL-related conditions. This variant is present in population databases (no rsID available, gnomAD 0.008%). This sequence change replaces tyrosine, which is neutral and polar, with serine, which is neutral and polar, at codon 10 of the NEFL protein (p.Tyr10Ser).